The following is an entry in ClinVar:

NC_000001.10:g.(?_94568551)_(94568718_?)del

Gene: ABCA4 (ATP binding cassette subfamily A member 4; minus strand). Cytogenetic location: 1p22.1.
Variant type: Deletion.
Identifiers: ClinVar variation 3247883 (VCV003247883.1).

ClinVar aggregate classification (germline): Pathogenic (1 of 4 stars; one submission).

Submission:

Labcorp Genetics (formerly Invitae), Labcorp
Classification: Pathogenic. Last evaluated: 2022-12-07. Review status: criteria provided, single submitter. Criteria: Invitae Variant Classification Sherloc (09022015). Collection method: clinical testing. Allele origin: unknown.
Comment: For these reasons, this variant has been classified as Pathogenic. A similar copy number variant has been observed in individual(s) with ABCA4-related conditions (PMID: 25363634, 30670881). This variant is a gross deletion of the genomic region encompassing exon(s) 5 of the ABCA4 gene. This deletion is out-of-frame, and is expected to create a premature termination codon and result in an absent or disrupted protein product. Loss-of-function variants in ABCA4 are known to be pathogenic (PMID: 10958761, 24938718, 25312043, 26780318).

Literature cited by the submitters: PubMed 25363634; PubMed 30670881; PubMed 10958761; PubMed 24938718; PubMed 25312043; PubMed 26780318.